The following is an entry in ClinVar:

ClinVar aggregate classification (germline): Likely pathogenic (0 of 4 stars; one submission).

Conditions:
Alagille syndrome due to a JAG1 point mutation. Also called: HEPATIC DUCTULAR HYPOPLASIA, SYNDROMATIC; Alagille Syndrome 1; JAG1-Related Alagille Syndrome. Identifiers: Orphanet 261619, Orphanet 52, MedGen C1956125, MONDO:0016862, OMIM 118450.

Submission:

Molecular Genetics Department, Kulakov National Medical Research Center for Obstetrics, Gynecology and Perinatology
Classification: Likely pathogenic for Alagille syndrome due to a JAG1 point mutation. Last evaluated: 2018-09-20. Review status: no assertion criteria provided. Collection method: clinical testing. Allele origin: maternal. Inheritance: Autosomal dominant inheritance. Affected: yes. Observed: 1 heterozygote.

NM_000214.3(JAG1):c.2385del (p.Thr796fs)

Gene: JAG1 (jagged canonical Notch ligand 1; minus strand). Cytogenetic location: 20p12.2.
Variant type: Deletion.
Coding change: c.2385del on transcript NM_000214.3 (MANE Select); coding-DNA position 2385, one base deleted (C; older notation c.2385delC).
Protein change: p.Thr796fs; shifts the reading frame from threonine 796.
Molecular consequence: frameshift variant.
Genome position (GRCh38, 1-based): chr20:10,643,851, G deleted on the plus strand (C on the coding strand, the reverse complement: JAG1 is on the minus strand). VCF-style (leftmost placement, unchanged base first): chr20-10643850-TG-T. GRCh37 (hg19) VCF-style: chr20-10624498-TG-T.
Other names: c.2385del, p.Thr796fs (LRG_1191t1); short protein forms T796fs.
Identifiers: ClinVar variation 619084 (VCV000619084.3), dbSNP rs1568793309, ClinGen allele CA913190625.
Genomic context (GRCh38, chr20:10,643,850, plus strand): 5'-CGGGCCCAGCAAAACCCGGGGCACATTCGCACCGGTACCAGTTGTCTCCATCCACACAGG[TG>T]CCGCTGTTGTAACTAAGAAAGCAAAGACCACCTTGGTTACCAACCTCCCAGTCCATTACT-3'